The following is an entry in ClinVar:

NM_001382391.1(CSPP1):c.1195G>T (p.Asp399Tyr)

Gene: CSPP1 (centrosome and spindle pole associated protein 1; plus strand). Cytogenetic location: 8q13.2.
Variant type: single nucleotide variant.
Coding change: c.1195G>T on transcript NM_001382391.1 (MANE Select); coding-DNA position 1195, G replaced by T.
Protein change: p.Asp399Tyr; replaces aspartic acid 399 with tyrosine.
Molecular consequence: missense variant.
Genome position (GRCh38, 1-based): chr8:67,113,812, G>T. VCF-style: chr8-67113812-G-T. GRCh37 (hg19) VCF-style: chr8-68026047-G-T.
Other names: c.340G>T, p.Asp114Tyr (NM_001291339.2); c.1114G>T, p.Asp372Tyr (NM_001363131.2, NM_001363133.2); c.1195G>T, p.Asp399Tyr (NM_001363132.2); c.1303G>T, p.Asp435Tyr (NM_001364869.1); c.1123G>T, p.Asp375Tyr (NM_001364870.1); c.1222G>T, p.Asp408Tyr (NM_024790.7); short protein forms D114Y, D372Y, D375Y, D399Y, D408Y, D435Y.
Identifiers: ClinVar variation 1306371 (VCV001306371.2), dbSNP rs1393837926, ClinGen allele CA371197560.

ClinVar aggregate classification (germline): Uncertain significance (1 of 4 stars; one submission).

Allele frequency attached by ClinVar (database versions not stated): gnomAD exomes below 0.00001; TOPMed below 0.00001; gnomAD 0.00001.
gnomAD v4.1: 5 of 1,559,508 alleles (0.00032%); highest among the groups gnomAD compares: East Asian, 0.0045%; no homozygotes.

Submission:

GeneDx
Classification: Uncertain significance. Last evaluated: 2019-06-25. Review status: criteria provided, single submitter. Criteria: GeneDx Variant Classification Process June 2021. Collection method: clinical testing. Allele origin: germline. Affected: yes.
Comment: In silico analysis, which includes protein predictors and evolutionary conservation, supports a deleterious effect; Has not been previously published as pathogenic or benign to our knowledge